The following is an entry in ClinVar:

NM_015259.6(ICOSLG):c.668A>G (p.Gln223Arg)

Gene: ICOSLG (inducible T cell costimulator ligand; minus strand). Cytogenetic location: 21q22.3.
Variant type: single nucleotide variant.
Coding change: c.668A>G on transcript NM_015259.6 (MANE Select); coding-DNA position 668, A replaced by G.
Protein change: p.Gln223Arg; replaces glutamine 223 with arginine.
Molecular consequence: missense variant.
Genome position (GRCh38, 1-based): chr21:44,235,301, T>C on the plus strand (A>G on the coding strand, the complement: ICOSLG is on the minus strand). VCF-style: chr21-44235301-T-C. GRCh37 (hg19) VCF-style: chr21-45655184-T-C.
Other names: c.668A>G, p.Gln223Arg (NM_001283050.2, NM_001395918.1); c.317A>G, p.Gln106Arg (NM_001283051.2); c.413A>G, p.Gln138Arg (NM_001283052.2); c.587A>G, p.Gln196Arg (NM_001365759.2); short protein forms Q138R, Q223R, Q106R, Q196R.
Identifiers: ClinVar variation 2711307 (VCV002711307.3), dbSNP rs2517845422, ClinGen allele CA410614577.
Genomic context (GRCh38, chr21:44,235,301, plus strand): 5'-ACAGCTCAGCACGCAGGCGCCGGGACCTTACCTGTCTGGCTGCCGACAGTCAGGTTCTGC[T>C]GCAGAAGCACGTTCTCTATGCAGCAGCCAATGTTCACGCTGGGGGTCCGTGCGATCCTCA-3'
Protein context (NP_056074.1, residues 213-233): IGCCIENVLL[Gln223Arg]QNLTVGSQTG

ClinVar aggregate classification (germline): Uncertain significance (1 of 4 stars; one submission).

Submission:

Labcorp Genetics (formerly Invitae), Labcorp
Classification: Uncertain significance. Last evaluated: 2025-11-18. Review status: criteria provided, single submitter. Criteria: Invitae Variant Classification Sherloc (09022015). Collection method: clinical testing. Allele origin: germline.
Comment: This sequence change replaces glutamine, which is neutral and polar, with arginine, which is basic and polar, at codon 223 of the ICOSLG protein (p.Gln223Arg). This variant is not present in population databases (gnomAD no frequency). This variant has not been reported in the literature in individuals affected with ICOSLG-related conditions. ClinVar contains an entry for this variant (Variation ID: 2711307). An algorithm developed to predict the effect of missense changes on protein structure and function outputs the following: PolyPhen-2: "Benign". The arginine amino acid residue is found in multiple mammalian species, which suggests that this missense change does not adversely affect protein function. In summary, the available evidence is currently insufficient to determine the role of this variant in disease. Therefore, it has been classified as a Variant of Uncertain Significance.